The following is an entry in ClinVar:

ClinVar aggregate classification (germline): Likely benign. Review status: criteria provided, multiple submitters, no conflicts (2 of 4 stars). 2 submissions from 2 submitters: Likely benign (2). Last evaluated 2021-10-27.

Allele frequency attached by ClinVar (database versions not stated): 1000 Genomes Project 30x 0.01437; 1000 Genomes Project 0.01438.
gnomAD v4.1: 3,647 of 1,293,622 alleles (0.28%); highest among the groups gnomAD compares: African/African-American, 3.3%; 48 homozygotes.

Submissions (2):

GeneDx
Classification: Likely benign. Last evaluated: 2021-10-27. Review status: criteria provided, single submitter. Criteria: GeneDx Variant Classification Process June 2021. Collection method: clinical testing. Allele origin: germline. Affected: yes.
Comment: See Variant Classification Assertion Criteria.

Breakthrough Genomics
Classification: Likely benign. Review status: criteria provided, single submitter. Criteria: ACMG Guidelines, 2015. Collection method: not provided. Allele origin: germline. Inheritance: Autosomal recessive inheritance. Affected: yes.

NM_001374736.1(DST):c.3963+87T>C

Gene: DST (dystonin; minus strand). Cytogenetic location: 6p12.1.
Variant type: single nucleotide variant.
Coding change: c.3963+87T>C on transcript NM_001374736.1 (MANE Select); 87 bases into the intron after coding-DNA position 3963, T replaced by C.
Molecular consequence: intron variant.
Genome position (GRCh38, 1-based): chr6:56,631,796, A>G on the plus strand (T>C on the coding strand, the complement: DST is on the minus strand). VCF-style: chr6-56631796-A-G. GRCh37 (hg19) VCF-style: chr6-56496594-A-G.
Other names: c.3864+87T>C (NM_001144769.5); c.3963+87T>C (NM_001374722.1); c.3990+87T>C (NM_001374734.1); c.3450+87T>C (NM_001144770.2); c.3330+87T>C (NM_001374730.1, NM_001386100.1, NM_183380.4 and 1 more transcripts); c.2352+87T>C (NM_015548.5, NM_001723.7).
Identifiers: ClinVar variation 1683882 (VCV001683882.3), dbSNP rs111423030, ClinGen allele CA139215806.
Genomic context (GRCh38, chr6:56,631,796, plus strand): 5'-ATCAGCAATAATTACACAATCAGACCTCACCTCACACTAGACTGGCTAGTGTGAGTGTGC[A>G]AAACTGAACATTAAGAAGTCACAAGAGTTGATACATAAGGTCATTAAGAGAGTTAGTTTT-3'